The following is an entry in ClinVar:

ClinVar aggregate classification (germline): Uncertain significance (1 of 4 stars; one submission).

Conditions:
Hereditary cancer-predisposing syndrome. Also called: Hereditary Cancer Syndrome; Neoplastic Syndromes, Hereditary; Tumor predisposition; Hereditary neoplastic syndrome. Identifiers: Orphanet 140162, MedGen C0027672, MeSH D009386, MONDO:0015356.

Submission:

Ambry Genetics
Classification: Uncertain significance for Hereditary cancer-predisposing syndrome. Last evaluated: 2026-07-06. Review status: criteria provided, single submitter. Criteria: Ambry Variant Classification Scheme 2023. Collection method: clinical testing. Allele origin: germline.
Comment: The p.T1328A variant (also known as c.3982A>G), located in coding exon 20 of the DICER1 gene, results from an A to G substitution at nucleotide position 3982. The threonine at codon 1328 is replaced by alanine, an amino acid with similar properties. This amino acid position is conserved. In addition, this alteration is predicted to be deleterious by in silico analysis. Based on the available evidence, the clinical significance of this variant remains unclear.

NM_177438.3(DICER1):c.3982A>G (p.Thr1328Ala)

Gene: DICER1 (dicer 1, ribonuclease III; minus strand). Cytogenetic location: 14q32.13.
Variant type: single nucleotide variant.
Coding change: c.3982A>G on transcript NM_177438.3 (MANE Select); coding-DNA position 3982, A replaced by G.
Protein change: p.Thr1328Ala; replaces threonine 1328 with alanine.
Molecular consequence: missense variant. On other transcripts: non-coding transcript variant (6).
Genome position (GRCh38, 1-based): chr14:95,103,414, T>C on the plus strand (A>G on the coding strand, the complement: DICER1 is on the minus strand). VCF-style: chr14-95103414-T-C. GRCh37 (hg19) VCF-style: chr14-95569751-T-C.
Other names: c.3577A>G, p.Thr1193Ala (NM_001395690.1, NM_001395696.1, NM_001395687.1 and 2 more transcripts); c.3415A>G, p.Thr1139Ala (NM_001395691.1); c.3982A>G, p.Thr1328Ala (NM_001395692.1, NM_001395693.1, NM_001395694.1 and 12 more transcripts); c.2299A>G, p.Thr767Ala (NM_001395697.1); c.3700A>G, p.Thr1234Ala (NM_001395686.1); short protein forms T1234A, T1193A, T1139A, T1328A, T767A.
Identifiers: ClinVar variation 5035248 (VCV005035248.1).